The following is an entry in ClinVar:

ClinVar aggregate classification (germline): Uncertain significance. Review status: criteria provided, multiple submitters, no conflicts (2 of 4 stars). 2 submissions from 2 submitters: Uncertain significance (2). Last evaluated 2023-09-30.

Conditions:
Charcot-Marie-Tooth disease type 2. Also called: Charcot-Marie-Tooth type 2. Identifiers: Orphanet 64746, MedGen C0270914, MONDO:0018993.

Submissions (2):

Labcorp Genetics (formerly Invitae), Labcorp
Classification: Uncertain significance for Charcot-Marie-Tooth disease type 2. Last evaluated: 2023-09-30. Review status: criteria provided, single submitter. Criteria: Invitae Variant Classification Sherloc (09022015). Collection method: clinical testing. Allele origin: germline.
Comment: This sequence change replaces arginine, which is basic and polar, with tryptophan, which is neutral and slightly polar, at codon 837 of the KIF1B protein (p.Arg837Trp). This variant is not present in population databases (gnomAD no frequency). This variant has not been reported in the literature in individuals affected with KIF1B-related conditions. Advanced modeling of protein sequence and biophysical properties (such as structural, functional, and spatial information, amino acid conservation, physicochemical variation, residue mobility, and thermodynamic stability) performed at Invitae indicates that this missense variant is expected to disrupt KIF1B protein function. In summary, the available evidence is currently insufficient to determine the role of this variant in disease. Therefore, it has been classified as a Variant of Uncertain Significance.

Ambry Genetics
Classification: Uncertain significance. Last evaluated: 2023-08-30. Review status: criteria provided, single submitter. Criteria: Ambry Variant Classification Scheme 2023. Collection method: clinical testing. Allele origin: germline.
Comment: The p.R837W variant (also known as c.2509C>T), located in coding exon 23 of the KIF1B gene, results from a C to T substitution at nucleotide position 2509. The arginine at codon 837 is replaced by tryptophan, an amino acid with dissimilar properties. This amino acid position is conserved. In addition, this alteration is predicted to be deleterious by in silico analysis. Since supporting evidence is limited at this time, the clinical significance of this alteration remains unclear.

NM_001365951.3(KIF1B):c.2647C>T (p.Arg883Trp)

Gene: KIF1B (kinesin family member 1B; plus strand). Cytogenetic location: 1p36.22.
Variant type: single nucleotide variant.
Coding change: c.2647C>T on transcript NM_001365951.3 (MANE Select); coding-DNA position 2647, C replaced by T.
Protein change: p.Arg883Trp; replaces arginine 883 with tryptophan.
Molecular consequence: missense variant.
Genome position (GRCh38, 1-based): chr1:10,324,867, C>T. VCF-style: chr1-10324867-C-T. GRCh37 (hg19) VCF-style: chr1-10384925-C-T.
Other names: c.2647C>T, p.Arg883Trp (NM_001365952.1); c.2509C>T, p.Arg837Trp (NM_015074.3); short protein forms R883W, R837W.
Identifiers: ClinVar variation 2625740 (VCV002625740.5), dbSNP rs2102300290, ClinGen allele CA338335792.